The following is an entry in ClinVar:

ClinVar aggregate classification (germline): Conflicting classifications of pathogenicity. Review status: criteria provided, conflicting classifications (1 of 4 stars). 4 submissions from 4 submitters: Uncertain significance (3); Likely benign (1). Last evaluated 2024-06-19.

Conditions:
Hereditary breast ovarian cancer syndrome. Also called: Hereditary breast and ovarian cancer syndrome (HBOC); BRCA1- and BRCA2-Associated Hereditary Breast and Ovarian Cancer; Hereditary breast and ovarian cancer syndrome; Breast and ovarian cancer; Hereditary breast and ovarian cancer; Hereditary breast and/or ovarian cancer syndrome. Identifiers: Orphanet 145, MedGen C0677776, MeSH D061325, MONDO:0003582. Disease mechanism: loss of function.
Hereditary cancer-predisposing syndrome. Also called: Hereditary neoplastic syndrome; Neoplastic Syndromes, Hereditary; Tumor predisposition; Hereditary Cancer Syndrome. Identifiers: Orphanet 140162, MedGen C0027672, MeSH D009386, MONDO:0015356.

Allele frequency attached by ClinVar (database versions not stated): gnomAD exomes below 0.00001; ExAC 0.00001; ESP Exome Variant Server 0.00008.
gnomAD v4.1: 1 of 1,611,826 alleles (0.000062%); highest among the groups gnomAD compares: Non-Finnish European, 0.000085%; no homozygotes.

Submissions (4):

Labcorp Genetics (formerly Invitae), Labcorp
Classification: Uncertain significance for Hereditary breast ovarian cancer syndrome. Last evaluated: 2024-06-19. Review status: criteria provided, single submitter. Criteria: Invitae Variant Classification Sherloc (09022015). Collection method: clinical testing. Allele origin: germline.
Comment: This sequence change replaces threonine, which is neutral and polar, with arginine, which is basic and polar, at codon 463 of the BRCA2 protein (p.Thr463Arg). This variant is present in population databases (rs151011453, gnomAD 0.0009%). This variant has not been reported in the literature in individuals affected with BRCA2-related conditions. ClinVar contains an entry for this variant (Variation ID: 531322). Advanced modeling of protein sequence and biophysical properties (such as structural, functional, and spatial information, amino acid conservation, physicochemical variation, residue mobility, and thermodynamic stability) performed at Invitae indicates that this missense variant is not expected to disrupt BRCA2 protein function with a negative predictive value of 95%. In summary, the available evidence is currently insufficient to determine the role of this variant in disease. Therefore, it has been classified as a Variant of Uncertain Significance.

Women's Health and Genetics/Laboratory Corporation of America, LabCorp
Classification: Uncertain significance. Last evaluated: 2023-08-28. Review status: criteria provided, single submitter. Criteria: LabCorp Variant Classification Summary - May 2015. Collection method: clinical testing. Allele origin: germline.

Ambry Genetics
Classification: Uncertain significance for Hereditary cancer-predisposing syndrome. Last evaluated: 2023-04-23. Review status: criteria provided, single submitter. Criteria: Ambry Variant Classification Scheme 2023. Collection method: clinical testing. Allele origin: germline.
Comment: The p.T463R variant (also known as c.1388C>G), located in coding exon 9 of the BRCA2 gene, results from a C to G substitution at nucleotide position 1388. The threonine at codon 463 is replaced by arginine, an amino acid with similar properties. This amino acid position is poorly conserved in available vertebrate species. In addition, this alteration is predicted to be tolerated by in silico analysis. Since supporting evidence is limited at this time, the clinical significance of this alteration remains unclear.

University of Washington Department of Laboratory Medicine, University of Washington
Classification: Likely benign for Hereditary cancer-predisposing syndrome. Last evaluated: 2023-03-23. Review status: criteria provided, single submitter. Criteria: Dines et al. (Genet Med. 2020). Collection method: curation. Allele origin: germline.
Comment: Missense variant in a coldspot region where missense variants are very unlikely to be pathogenic (PMID:31911673).

BRCA2 exon 10 coldspot. Reclassification based on statistical prior probability.

NM_000059.4(BRCA2):c.1388C>G (p.Thr463Arg)

Gene: BRCA2 (BRCA2 DNA repair associated; plus strand). Cytogenetic location: 13q13.1.
Variant type: single nucleotide variant.
Coding change: c.1388C>G on transcript NM_000059.4 (MANE Select); coding-DNA position 1388, C replaced by G.
Protein change: p.Thr463Arg; replaces threonine 463 with arginine.
Molecular consequence: missense variant.
Genome position (GRCh38, 1-based): chr13:32,332,866, C>G. VCF-style: chr13-32332866-C-G. GRCh37 (hg19) VCF-style: chr13-32907003-C-G.
Other names: short protein forms T463R.
Identifiers: ClinVar variation 531322 (VCV000531322.16), dbSNP rs151011453, ClinGen allele CA6940517.